The following is an entry in ClinVar:

ClinVar aggregate classification (germline): Pathogenic. Review status: criteria provided, multiple submitters, no conflicts (2 of 4 stars). 4 submissions from 4 submitters: Pathogenic (4). Last evaluated 2025-05-14.

Conditions:
Neurofibromatosis, type 1 (NF1). Also called: Neurofibromatosis, type I; VON RECKLINGHAUSEN DISEASE; NEUROFIBROMATOSIS, TYPE I, SOMATIC; Peripheral type neurofibromatosis. Identifiers: Orphanet 636, MedGen C0027831, MONDO:0018975, OMIM 162200. Disease mechanism: loss of function.

Submissions (4):

GeneDx
Classification: Pathogenic. Last evaluated: 2025-05-14. Review status: criteria provided, single submitter. Criteria: GeneDx Variant Classification Process June 2021. Collection method: clinical testing. Allele origin: germline.
Comment: Frameshift variant predicted to result in protein truncation or nonsense mediated decay in a gene for which loss of function is a known mechanism of disease; Not observed at significant frequency in large population cohorts (gnomAD); Has not been previously published as pathogenic or benign to our knowledge

Institute of Human Genetics, University of Leipzig Medical Center
Classification: Pathogenic for Neurofibromatosis, type 1. Last evaluated: 2022-07-21. Review status: criteria provided, single submitter. Criteria: ACMG Guidelines, 2015. Collection method: clinical testing. Allele origin: maternal. Affected: yes.
Comment: _x000D_ Criteria applied: PVS1, PS4_SUP, PM2_SUP

Genome-Nilou Lab
Classification: Pathogenic for Neurofibromatosis, type 1. Last evaluated: 2022-03-15. Review status: criteria provided, single submitter. Criteria: ACMG Guidelines, 2015. Collection method: clinical testing. Allele origin: germline. Affected: no.

Labcorp Genetics (formerly Invitae), Labcorp
Classification: Pathogenic for Neurofibromatosis, type 1. Last evaluated: 2021-11-05. Review status: criteria provided, single submitter. Criteria: Invitae Variant Classification Sherloc (09022015). Collection method: clinical testing. Allele origin: germline.
Comment: For these reasons, this variant has been classified as Pathogenic. This variant has not been reported in the literature in individuals affected with NF1-related conditions. This variant is not present in population databases (gnomAD no frequency). This sequence change creates a premature translational stop signal (p.Pro534Leufs*22) in the NF1 gene. It is expected to result in an absent or disrupted protein product. Loss-of-function variants in NF1 are known to be pathogenic (PMID: 10712197, 23913538).

Literature cited by the submitters: PubMed 10712197 (cited by Labcorp Genetics (formerly Invitae), Labcorp); PubMed 23913538 (cited by Labcorp Genetics (formerly Invitae), Labcorp).

NM_001042492.3(NF1):c.1601del (p.Pro534fs)

Gene: NF1 (neurofibromin 1; plus strand). Cytogenetic location: 17q11.2.
Variant type: Deletion.
Coding change: c.1601del on transcript NM_001042492.3 (MANE Select); coding-DNA position 1601, one base deleted (C; older notation c.1601delC).
Protein change: p.Pro534fs; shifts the reading frame from proline 534.
Molecular consequence: frameshift variant.
Genome position (GRCh38, 1-based): chr17:31,219,078, C deleted; the last of 3 consecutive C bases (chr17:31,219,076-31,219,078); deleting any one gives the same sequence. VCF-style (leftmost placement, unchanged base first): chr17-31219075-TC-T. GRCh37 (hg19) VCF-style: chr17-29546093-TC-T.
Other names: c.1601delC, p.Pro534Leufs (NM_000267.4); c.1601del, p.Pro534fs (NM_001128147.3); short protein forms P534fs.
Identifiers: ClinVar variation 1439663 (VCV001439663.10), dbSNP rs2143986751, ClinGen allele CA2573153215.